The following is an entry in ClinVar:

NM_001330078.2(NRXN1):c.1652A>G (p.Tyr551Cys)

Gene: NRXN1 (neurexin 1; minus strand). Cytogenetic location: 2p16.3.
Variant type: single nucleotide variant.
Coding change: c.1652A>G on transcript NM_001330078.2 (MANE Select); coding-DNA position 1652, A replaced by G.
Protein change: p.Tyr551Cys; replaces tyrosine 551 with cysteine.
Molecular consequence: missense variant.
Genome position (GRCh38, 1-based): chr2:50,552,694, T>C on the plus strand (A>G on the coding strand, the complement: NRXN1 is on the minus strand). VCF-style: chr2-50552694-T-C. GRCh37 (hg19) VCF-style: chr2-50779832-T-C.
Other names: c.1613A>G, p.Tyr538Cys (NM_001330083.2, NM_001330084.2); c.1652A>G, p.Tyr551Cys (NM_001330085.2, NM_001330086.2, NM_004801.6); c.1568A>G, p.Tyr523Cys (NM_001330087.2, NM_001330096.2); c.1598A>G, p.Tyr533Cys (NM_001330088.2); c.1649A>G, p.Tyr550Cys (NM_001330093.2); c.1640A>G, p.Tyr547Cys (NM_001330094.2); c.1628A>G, p.Tyr543Cys (NM_001330095.2, NM_001330077.2, NM_001330082.2); c.1772A>G, p.Tyr591Cys (NM_001135659.3); short protein forms Y547C, Y550C, Y551C, Y523C, Y533C, Y538C, Y543C, Y591C.
Identifiers: ClinVar variation 2848238 (VCV002848238.3), dbSNP rs1667704545, ClinGen allele CA346773149.
Genomic context (GRCh38, chr2:50,552,694, plus strand): 5'-TTCACTTTCTTCAACAGGGCTTTTATTTTTATAGTACCTGACCCCATGTCCAGGAGGAGG[T>C]AGAGGTGGCCATCTAGCATCTCAATAGCAAAGAAGTCCACCTTTATCATCTGTGGGTGCT-3'
Protein context (NP_001317007.1, residues 541-561): FAIEMLDGHL[Tyr551Cys]LLLDMGSGTI

ClinVar aggregate classification (germline): Uncertain significance (1 of 4 stars; one submission).

Conditions:
Pitt-Hopkins-like syndrome 2 (PTHSL2). Identifiers: Orphanet 221150, Orphanet 600663, MedGen C3280479, MONDO:0013690, OMIM 614325.

Allele frequency attached by ClinVar (database versions not stated): TOPMed below 0.00001.

Submission:

Labcorp Genetics (formerly Invitae), Labcorp
Classification: Uncertain significance for Pitt-Hopkins-like syndrome 2. Last evaluated: 2023-06-06. Review status: criteria provided, single submitter. Criteria: Invitae Variant Classification Sherloc (09022015). Collection method: clinical testing. Allele origin: germline.
Comment: In summary, the available evidence is currently insufficient to determine the role of this variant in disease. Therefore, it has been classified as a Variant of Uncertain Significance. An algorithm developed to predict the effect of missense changes on protein structure and function (PolyPhen-2) suggests that this variant is likely to be disruptive. This variant has not been reported in the literature in individuals affected with NRXN1-related conditions. This variant is not present in population databases (gnomAD no frequency). This sequence change replaces tyrosine, which is neutral and polar, with cysteine, which is neutral and slightly polar, at codon 591 of the NRXN1 protein (p.Tyr591Cys).